The following is an entry in ClinVar:

ClinVar aggregate classification (germline): Uncertain significance (1 of 4 stars; one submission).

Allele frequency attached by ClinVar (database versions not stated): gnomAD exomes below 0.00001 and 0.00001; ExAC 0.00001; TOPMed 0.00001; gnomAD 0.00002.
gnomAD v4.1: 7 of 1,614,020 alleles (0.00043%); highest among the groups gnomAD compares: Non-Finnish European, 0.00059%; no homozygotes.

Submission:

Labcorp Genetics (formerly Invitae), Labcorp
Classification: Uncertain significance. Last evaluated: 2025-08-10. Review status: criteria provided, single submitter. Criteria: Invitae Variant Classification Sherloc (09022015). Collection method: clinical testing. Allele origin: germline.
Comment: This sequence change replaces tyrosine, which is neutral and polar, with histidine, which is basic and polar, at codon 160 of the PSMB4 protein (p.Tyr160His). This variant is present in population databases (rs753664008, gnomAD 0.002%). This variant has not been reported in the literature in individuals affected with PSMB4-related conditions. ClinVar contains an entry for this variant (Variation ID: 1461802). An algorithm developed to predict the effect of missense changes on protein structure and function outputs the following: PolyPhen-2: "Possibly Damaging". The histidine amino acid residue is found in multiple mammalian species, which suggests that this missense change does not adversely affect protein function. In summary, the available evidence is currently insufficient to determine the role of this variant in disease. Therefore, it has been classified as a Variant of Uncertain Significance.

NM_002796.3(PSMB4):c.478T>C (p.Tyr160His)

Gene: PSMB4 (proteasome 20S subunit beta 4; plus strand). Cytogenetic location: 1q21.3.
Variant type: single nucleotide variant.
Coding change: c.478T>C on transcript NM_002796.3 (MANE Select); coding-DNA position 478, T replaced by C.
Protein change: p.Tyr160His; replaces tyrosine 160 with histidine.
Molecular consequence: missense variant.
Genome position (GRCh38, 1-based): chr1:151,400,572, T>C. VCF-style: chr1-151400572-T-C. GRCh37 (hg19) VCF-style: chr1-151373048-T-C.
Other names: short protein forms Y160H.
Identifiers: ClinVar variation 1461802 (VCV001461802.8), dbSNP rs753664008, ClinGen allele CA1090661.
Genomic context (GRCh38, chr1:151,400,572, plus strand): 5'-GCCATGTACAGCCGGCGCTCGAAGATGAACCCTTTGTGGAACACCATGGTCATCGGAGGC[T>C]ATGCTGATGGAGAGAGGTTCATATGAATACAAATAACTTATTTCCTTTACCACCCAACCT-3'
Protein context (NP_002787.2, residues 150-170): PLWNTMVIGG[Tyr160His]ADGESFLGYV